The following is an entry in ClinVar:

ClinVar aggregate classification (germline): Conflicting classifications of pathogenicity. Review status: criteria provided, conflicting classifications (1 of 4 stars). 3 submissions from 3 submitters: Uncertain significance (1); Likely benign (2). Last evaluated 2025-05-28.

Conditions:
Inborn genetic diseases. Identifiers: MedGen C0950123, MeSH D030342.

Allele frequency attached by ClinVar (database versions not stated): gnomAD exomes 0.00002; gnomAD 0.00003; TOPMed 0.00004; ExAC 0.00011; 1000 Genomes Project 30x 0.00016; 1000 Genomes Project 0.00020.
gnomAD v4.1: 34 of 1,613,506 alleles (0.0021%); highest among the groups gnomAD compares: East Asian, 0.069%; no homozygotes.

Submissions (3):

Labcorp Genetics (formerly Invitae), Labcorp
Classification: Likely benign. Last evaluated: 2025-05-28. Review status: criteria provided, single submitter. Criteria: Invitae Variant Classification Sherloc (09022015). Collection method: clinical testing. Allele origin: germline.

Ambry Genetics
Classification: Likely benign for Inborn genetic diseases. Last evaluated: 2023-07-05. Review status: criteria provided, single submitter. Criteria: Ambry Variant Classification Scheme 2023. Collection method: clinical testing. Allele origin: germline.

GeneDx
Classification: Uncertain significance. Last evaluated: 2023-01-03. Review status: criteria provided, single submitter. Criteria: GeneDx Variant Classification Process June 2021. Collection method: clinical testing. Allele origin: germline. Affected: yes.
Comment: In silico analysis supports that this missense variant does not alter protein structure/function; Has not been previously published as pathogenic or benign to our knowledge

NM_001286577.2(C2CD3):c.1448T>C (p.Leu483Pro)

Gene: C2CD3 (C2 domain containing 3 centriole elongation regulator; minus strand). Cytogenetic location: 11q13.4.
Variant type: single nucleotide variant.
Coding change: c.1448T>C on transcript NM_001286577.2 (MANE Select); coding-DNA position 1448, T replaced by C.
Protein change: p.Leu483Pro; replaces leucine 483 with proline.
Molecular consequence: missense variant.
Genome position (GRCh38, 1-based): chr11:74,118,300, A>G on the plus strand (T>C on the coding strand, the complement: C2CD3 is on the minus strand). VCF-style: chr11-74118300-A-G. GRCh37 (hg19) VCF-style: chr11-73829345-A-G.
Other names: c.1448T>C (NM_015531.5, NM_015531.4); c.1448T>C, p.Leu483Pro (NM_015531.6); short protein forms L483P.
Identifiers: ClinVar variation 2416264 (VCV002416264.9), dbSNP rs566827108, ClinGen allele CA6182945.